The following is an entry in ClinVar:

ClinVar aggregate classification (germline): Uncertain significance. Review status: criteria provided, multiple submitters, no conflicts (2 of 4 stars). 4 submissions from 4 submitters: Uncertain significance (4). Last evaluated 2023-11-22.

Conditions:
Autosomal dominant nonsyndromic hearing loss 2A. Also called: DFNA2 Nonsyndromic Hearing Loss; Deafness, autosomal dominant 2A; Autosomal dominant nonsyndromic deafness 2A. Identifiers: Orphanet 90635, MedGen C2677637, MONDO:0010817, OMIM 600101.

Allele frequency attached by ClinVar (database versions not stated): ESP Exome Variant Server 0.00024.
gnomAD v4.1: 151 of 1,608,566 alleles (0.0094%); highest among the groups gnomAD compares: Middle Eastern, 0.016%; no homozygotes.

Submissions (4):

Blueprint Genetics
Classification: Uncertain significance. Last evaluated: 2023-11-22. Review status: criteria provided, single submitter. Criteria: ACMG Guidelines, 2015. Collection method: clinical testing. Allele origin: germline.

Genome-Nilou Lab
Classification: Uncertain significance for Autosomal dominant nonsyndromic hearing loss 2A. Last evaluated: 2023-04-11. Review status: criteria provided, single submitter. Criteria: ACMG Guidelines, 2015. Collection method: clinical testing. Allele origin: germline. Affected: no.

Labcorp Genetics (formerly Invitae), Labcorp
Classification: Uncertain significance. Last evaluated: 2022-03-29. Review status: criteria provided, single submitter. Criteria: Invitae Variant Classification Sherloc (09022015). Collection method: clinical testing. Allele origin: germline.
Comment: In summary, the available evidence is currently insufficient to determine the role of this variant in disease. Therefore, it has been classified as a Variant of Uncertain Significance. Advanced modeling of protein sequence and biophysical properties (such as structural, functional, and spatial information, amino acid conservation, physicochemical variation, residue mobility, and thermodynamic stability) performed at Invitae indicates that this missense variant is not expected to disrupt KCNQ4 protein function. ClinVar contains an entry for this variant (Variation ID: 1199646). This variant has not been reported in the literature in individuals affected with KCNQ4-related conditions. This variant is present in population databases (rs368294870, gnomAD 0.02%). This sequence change replaces serine, which is neutral and polar, with glycine, which is neutral and non-polar, at codon 423 of the KCNQ4 protein (p.Ser423Gly).

GeneDx
Classification: Uncertain significance. Last evaluated: 2021-05-24. Review status: criteria provided, single submitter. Criteria: GeneDx Variant Classification Process June 2021. Collection method: clinical testing. Allele origin: germline. Affected: yes.
Comment: In silico analysis supports that this missense variant does not alter protein structure/function; Has not been previously published as pathogenic or benign to our knowledge

NM_004700.4(KCNQ4):c.1267A>G (p.Ser423Gly)

Gene: KCNQ4 (potassium voltage-gated channel subfamily Q member 4; plus strand). Cytogenetic location: 1p34.2.
Variant type: single nucleotide variant.
Coding change: c.1267A>G on transcript NM_004700.4 (MANE Select); coding-DNA position 1267, A replaced by G.
Protein change: p.Ser423Gly; replaces serine 423 with glycine.
Molecular consequence: missense variant. On other transcripts: intron variant (1).
Genome position (GRCh38, 1-based): chr1:40,824,233, A>G. VCF-style: chr1-40824233-A-G. GRCh37 (hg19) VCF-style: chr1-41289905-A-G.
Other names: c.1130+1831A>G (NM_172163.3); short protein forms S423G.
Identifiers: ClinVar variation 1199646 (VCV001199646.11), dbSNP rs368294870, ClinGen allele CA794821.